The following is an entry in ClinVar:

ClinVar aggregate classification (germline): Likely benign. Review status: criteria provided, single submitter (1 of 4 stars). 2 submissions from 2 submitters: Likely benign (1). 1 of the submissions does not count toward it. Last evaluated 2022-09-01.

Conditions:
GZF1-related disorder. Also called: GZF1-related condition.

Allele frequency attached by ClinVar (database versions not stated): TOPMed 0.00002; gnomAD 0.00003.

Submissions (2):

Labcorp Genetics (formerly Invitae), Labcorp
Classification: Likely benign. Last evaluated: 2022-09-01. Review status: criteria provided, single submitter. Criteria: Invitae Variant Classification Sherloc (09022015). Collection method: clinical testing. Allele origin: germline.

PreventionGenetics, part of Exact Sciences
Classification: Likely benign for GZF1-related condition. Last evaluated: 2019-05-20. Review status: no assertion criteria provided. Collection method: clinical testing. Allele origin: germline. Not counted in ClinVar's aggregate classification.
Comment: This variant is classified as likely benign based on ACMG/AMP sequence variant interpretation guidelines (Richards et al. 2015 PMID: 25741868, with internal and published modifications).

NM_022482.5(GZF1):c.1656C>T (p.Cys552=)

Gene: GZF1 (GDNF inducible zinc finger protein 1; plus strand). Cytogenetic location: 20p11.21.
Variant type: single nucleotide variant.
Coding change: c.1656C>T on transcript NM_022482.5 (MANE Select); coding-DNA position 1656, C replaced by T.
Protein change: p.Cys552=; no amino-acid change (cysteine 552 retained).
Molecular consequence: synonymous variant.
Genome position (GRCh38, 1-based): chr20:23,369,612, C>T. VCF-style: chr20-23369612-C-T. GRCh37 (hg19) VCF-style: chr20-23350249-C-T.
Other names: c.1656C>T, p.Cys552= (NM_001317012.2, NM_001317019.1); c.1656C>T (NM_022482.4).
Identifiers: ClinVar variation 2184358 (VCV002184358.6), dbSNP rs1329900771, ClinGen allele CA509848926.